The following is an entry in ClinVar:

ClinVar aggregate classification (germline): Uncertain significance. Review status: criteria provided, multiple submitters, no conflicts (2 of 4 stars). 3 submissions from 3 submitters: Uncertain significance (3). Last evaluated 2025-12-24.

Conditions:
Autosomal recessive nonsyndromic hearing loss 97. Also called: Deafness, autosomal recessive 97. Identifiers: Orphanet 90636, MedGen C4084709, MONDO:0014739, OMIM 616705.
Hereditary cancer-predisposing syndrome. Also called: Tumor predisposition; Hereditary Cancer Syndrome; Hereditary neoplastic syndrome; Neoplastic Syndromes, Hereditary. Identifiers: Orphanet 140162, MedGen C0027672, MeSH D009386, MONDO:0015356.
Renal cell carcinoma. Identifiers: Orphanet 217071, MedGen C0007134, MeSH D002292, MONDO:0005086, HP:0005584.

Submissions (3):

Labcorp Genetics (formerly Invitae), Labcorp
Classification: Uncertain significance for Renal cell carcinoma. Last evaluated: 2025-12-24. Review status: criteria provided, single submitter. Criteria: Invitae Variant Classification Sherloc (09022015). Collection method: clinical testing. Allele origin: germline.
Comment: This sequence change replaces aspartic acid, which is acidic and polar, with histidine, which is basic and polar, at codon 100 of the MET protein (p.Asp100His). This variant is not present in population databases (gnomAD no frequency). This variant has not been reported in the literature in individuals affected with MET-related conditions. ClinVar contains an entry for this variant (Variation ID: 485765). Invitae Evidence Modeling of protein sequence and biophysical properties (such as structural, functional, and spatial information, amino acid conservation, physicochemical variation, residue mobility, and thermodynamic stability) indicates that this missense variant is not expected to disrupt MET protein function with a negative predictive value of 80%. In summary, the available evidence is currently insufficient to determine the role of this variant in disease. Therefore, it has been classified as a Variant of Uncertain Significance.

Ambry Genetics
Classification: Uncertain significance for Hereditary cancer-predisposing syndrome. Last evaluated: 2025-04-03. Review status: criteria provided, single submitter. Criteria: Ambry Variant Classification Scheme 2023. Collection method: clinical testing. Allele origin: germline.
Comment: The p.D100H variant (also known as c.298G>C), located in coding exon 1 of the MET gene, results from a G to C substitution at nucleotide position 298. The aspartic acid at codon 100 is replaced by histidine, an amino acid with similar properties. This amino acid position is not well conserved in available vertebrate species. In addition, this alteration is predicted to be tolerated by in silico analysis. Since supporting evidence is limited at this time, the clinical significance of this alteration remains unclear.

Baylor Genetics
Classification: Uncertain significance for Autosomal recessive nonsyndromic hearing loss 97. Last evaluated: 2023-09-21. Review status: criteria provided, single submitter. Criteria: ACMG Guidelines, 2015. Collection method: clinical testing. Allele origin: unknown.

NM_000245.4(MET):c.298G>C (p.Asp100His)

Gene: MET (MET proto-oncogene, receptor tyrosine kinase; plus strand). Cytogenetic location: 7q31.2.
Variant type: single nucleotide variant.
Coding change: c.298G>C on transcript NM_000245.4 (MANE Select); coding-DNA position 298, G replaced by C.
Protein change: p.Asp100His; replaces aspartic acid 100 with histidine.
Molecular consequence: missense variant. On other transcripts: intron variant (1).
Genome position (GRCh38, 1-based): chr7:116,699,382, G>C. VCF-style: chr7-116699382-G-C. GRCh37 (hg19) VCF-style: chr7-116339436-G-C.
Other names: c.298G>C, p.Asp100His (NM_001127500.3, NM_001324401.3); c.-91+26805G>C (NM_001324402.2); short protein forms D100H.
Identifiers: ClinVar variation 485765 (VCV000485765.12), dbSNP rs1554378400, ClinGen allele CA368968766.
Genomic context (GRCh38, chr7:116,699,382, plus strand): 5'-AAGGTTGCTGAGTACAAGACTGGGCCTGTGCTGGAACACCCAGATTGTTTCCCATGTCAG[G>C]ACTGCAGCAGCAAAGCCAATTTATCAGGAGGTGTTTGGAAAGATAACATCAACATGGCTC-3'
Protein context (NP_000236.2, residues 90-110): LEHPDCFPCQ[Asp100His]CSSKANLSGG